The following is an entry in ClinVar:

ClinVar aggregate classification (germline): Pathogenic. Review status: criteria provided, multiple submitters, no conflicts (2 of 4 stars). 2 submissions from 2 submitters: Pathogenic (2). Last evaluated 2024-01-04.

Conditions:
Thyroid dyshormonogenesis 6 (TDH6). Also called: THYROID HORMONOGENESIS, GENETIC DEFECT IN, 6; Genetic transient congenital hypothyroidism; HYPOTHYROIDISM, CONGENITAL, DUE TO DYSHORMONOGENESIS, 6. Identifiers: Orphanet 226316, Orphanet 95716, MedGen C1846632, MONDO:0011792, OMIM 607200.

Submissions (2):

Labcorp Genetics (formerly Invitae), Labcorp
Classification: Pathogenic. Last evaluated: 2024-01-04. Review status: criteria provided, single submitter. Criteria: Invitae Variant Classification Sherloc (09022015). Collection method: clinical testing. Allele origin: germline.
Comment: This sequence change creates a premature translational stop signal (p.Glu327*) in the DUOX2 gene. It is expected to result in an absent or disrupted protein product. Loss-of-function variants in DUOX2 are known to be pathogenic (PMID: 12110737, 18765513, 21565790, 24423310, 24735383). Information on the frequency of this variant in the gnomAD database is not available, as this variant may be reported differently in the database. This variant has not been reported in the literature in individuals affected with DUOX2-related conditions. ClinVar contains an entry for this variant (Variation ID: 632238). For these reasons, this variant has been classified as Pathogenic.

Juno Genomics, Hangzhou Juno Genomics, Inc
Classification: Pathogenic for Thyroid dyshormonogenesis 6. Review status: criteria provided, single submitter. Criteria: ACMG Guidelines, 2015. Collection method: clinical testing. Allele origin: germline.
Comment: Absent from controls (or at extremely low frequency if recessive) in Genome Aggregation Database.;Null variant in a gene where loss of function (LOF) is a known mechanism of disease.;For recessive disorders, detected in trans with a pathogenic variant.

Literature cited by the submitters: PubMed 12110737 (cited by Labcorp Genetics (formerly Invitae), Labcorp); PubMed 18765513 (cited by Labcorp Genetics (formerly Invitae), Labcorp); PubMed 21565790 (cited by Labcorp Genetics (formerly Invitae), Labcorp); PubMed 24423310 (cited by Labcorp Genetics (formerly Invitae), Labcorp); PubMed 24735383 (cited by Labcorp Genetics (formerly Invitae), Labcorp).

NM_001363711.2(DUOX2):c.978_979delinsTT (p.Glu327Ter)

Gene: DUOX2 (dual oxidase 2; minus strand). Cytogenetic location: 15q21.1.
Variant type: Indel.
Coding change: c.978_979delinsTT on transcript NM_001363711.2 (MANE Select); coding-DNA positions 978 to 979, GG replaced by TT.
Protein change: p.Glu327Ter; replaces glutamic acid 327 with a stop codon.
Molecular consequence: nonsense.
Genome position (GRCh38, 1-based): chr15:45,110,489-45,110,490, CC replaced by AA on the plus strand (GG replaced by TT on the coding strand, the reverse complement: DUOX2 is on the minus strand). VCF-style: chr15-45110489-CC-AA. GRCh37 (hg19) VCF-style: chr15-45402687-CC-AA.
Other names: c.978_979delinsTT, p.Glu327Ter (NM_014080.5); short protein forms E327*.
Identifiers: ClinVar variation 632238 (VCV000632238.11), dbSNP rs1566977567, ClinGen allele CA913190496.